The following is an entry in ClinVar:

ClinVar aggregate classification (germline): Uncertain significance. Review status: criteria provided, multiple submitters, no conflicts (2 of 4 stars). 4 submissions from 4 submitters: Uncertain significance (4). Last evaluated 2026-02-14.

Conditions:
IGHMBP2-related disorder. Also called: IGHMBP2-related condition; IGHMBP2-related disorders.
Inborn genetic diseases. Identifiers: MedGen C0950123, MeSH D030342.
Charcot-Marie-Tooth disease axonal type 2S. Also called: CHARCOT-MARIE-TOOTH DISEASE, AXONAL, AUTOSOMAL RECESSIVE, TYPE 2S; CHARCOT-MARIE-TOOTH NEUROPATHY, TYPE 2S. Identifiers: Orphanet 443073, MedGen C4015349, MONDO:0014511, OMIM 616155.
Autosomal recessive distal spinal muscular atrophy 1. Also called: NEURONOPATHY, DISTAL HEREDITARY MOTOR, HARDING TYPE VI; NEUROPATHY, DISTAL HEREDITARY MOTOR, AUTOSOMAL RECESSIVE 1; NEURONOPATHY, SEVERE INFANTILE AXONAL, WITH RESPIRATORY FAILURE; HMN VI; SEVERE INFANTILE AXONAL NEUROPATHY WITH RESPIRATORY FAILURE; SPINAL MUSCULAR ATROPHY, DIAPHRAGMATIC. Identifiers: Orphanet 98920, MedGen C1858517, MONDO:0011436, OMIM 604320.

Allele frequency attached by ClinVar (database versions not stated): gnomAD exomes 0.00001 and 0.00002; ExAC 0.00002; TOPMed 0.00014; ESP Exome Variant Server 0.00015; gnomAD 0.00015 and 0.00016.
gnomAD v4.1: 42 of 1,613,902 alleles (0.0026%); highest among the groups gnomAD compares: African/African-American, 0.051%; no homozygotes.

Submissions (4):

PreventionGenetics, part of Exact Sciences
Classification: Uncertain significance for IGHMBP2-related condition. Last evaluated: 2026-02-14. Review status: criteria provided, single submitter. Criteria: ACMG Guidelines, 2015. Collection method: clinical testing. Allele origin: germline.
Comment: The IGHMBP2 c.1754A>G variant is predicted to result in the amino acid substitution p.Lys585Arg. To our knowledge, this variant has not been reported in the literature. This variant is reported in 0.036% of alleles in individuals of African descent in gnomAD. At this time, the clinical significance of this variant is uncertain due to the absence of conclusive functional and genetic evidence.

Ambry Genetics
Classification: Uncertain significance for Inborn genetic diseases. Last evaluated: 2025-10-21. Review status: criteria provided, single submitter. Criteria: Ambry Variant Classification Scheme 2023. Collection method: clinical testing. Allele origin: germline.

Labcorp Genetics (formerly Invitae), Labcorp
Classification: Uncertain significance for Autosomal recessive distal spinal muscular atrophy 1; Charcot-Marie-Tooth disease axonal type 2S. Last evaluated: 2022-07-15. Review status: criteria provided, single submitter. Criteria: Invitae Variant Classification Sherloc (09022015). Collection method: clinical testing. Allele origin: germline.
Comment: This sequence change replaces lysine, which is basic and polar, with arginine, which is basic and polar, at codon 585 of the IGHMBP2 protein (p.Lys585Arg). This variant is present in population databases (rs146450269, gnomAD 0.04%). This variant has not been reported in the literature in individuals affected with IGHMBP2-related conditions. ClinVar contains an entry for this variant (Variation ID: 234918). Algorithms developed to predict the effect of missense changes on protein structure and function output the following: SIFT: "Tolerated"; PolyPhen-2: "Benign"; Align-GVGD: "Class C0". The arginine amino acid residue is found in multiple mammalian species, which suggests that this missense change does not adversely affect protein function. In summary, the available evidence is currently insufficient to determine the role of this variant in disease. Therefore, it has been classified as a Variant of Uncertain Significance.

GeneDx
Classification: Uncertain significance. Last evaluated: 2017-03-19. Review status: criteria provided, single submitter. Criteria: GeneDx Variant Classification (06012015). Collection method: clinical testing. Allele origin: germline. Affected: yes.
Comment: A variant of uncertain significance has been identified in the IGHMBP2 gene. The K585R variant has not been published as a pathogenic variant, nor has it been reported as a benign variant to our knowledge. The K585R variant is not observed at a significant frequency in large population cohorts (Lek et al., 2016; 1000 Genomes Consortium et al., 2015; Exome Variant Server). The K585R variant is a conservative amino acid substitution, which is not likely to impact secondary protein structure as these residues share similar properties. However, this substitution occurs at a position that is conserved across species. Additionally, missense variants in nearby residues (V580I, R581S, N583I, G586C) have been reported in the Human Gene Mutation Database in association with IGHMBP2-related disorders (Stenson et al., 2014), supporting the functional importance of this region of the protein. In silico analysis is inconsistent in its predictions as to whether or not the variant is damaging to the protein structure/function. Therefore, based on the currently available information, it is unclear whether this variant is a pathogenic variant or a rare benign variant.

NM_002180.3(IGHMBP2):c.1754A>G (p.Lys585Arg)

Gene: IGHMBP2 (immunoglobulin mu DNA binding protein 2; plus strand). Cytogenetic location: 11q13.3.
Variant type: single nucleotide variant.
Coding change: c.1754A>G on transcript NM_002180.3 (MANE Select); coding-DNA position 1754, A replaced by G.
Protein change: p.Lys585Arg; replaces lysine 585 with arginine.
Molecular consequence: missense variant.
Genome position (GRCh38, 1-based): chr11:68,935,420, A>G. VCF-style: chr11-68935420-A-G. GRCh37 (hg19) VCF-style: chr11-68702888-A-G.
Other names: short protein forms K585R.
Identifiers: ClinVar variation 234918 (VCV000234918.11), dbSNP rs146450269, ClinGen allele CA6153751.